The following is an entry in ClinVar:

ClinVar aggregate classification (germline): Uncertain significance (1 of 4 stars; one submission).

Conditions:
Hereditary diffuse gastric adenocarcinoma (HDGC). Also called: DIFFUSE GASTRIC AND LOBULAR BREAST CANCER SYNDROME. Identifiers: Orphanet 26106, MedGen C1708349, MONDO:0007648, OMIM 137215.

Submission:

Labcorp Genetics (formerly Invitae), Labcorp
Classification: Uncertain significance for Hereditary diffuse gastric adenocarcinoma. Last evaluated: 2023-07-10. Review status: criteria provided, single submitter. Criteria: Invitae Variant Classification Sherloc (09022015). Collection method: clinical testing. Allele origin: germline.
Comment: In summary, the available evidence is currently insufficient to determine the role of this variant in disease. Therefore, it has been classified as a Variant of Uncertain Significance. An algorithm developed to predict the effect of missense changes on protein structure and function (PolyPhen-2) suggests that this variant is likely to be disruptive. This variant has not been reported in the literature in individuals affected with CDH1-related conditions. This variant is not present in population databases (gnomAD no frequency). This sequence change replaces glutamic acid, which is acidic and polar, with valine, which is neutral and non-polar, at codon 762 of the CDH1 protein (p.Glu762Val).

NM_004360.5(CDH1):c.2285A>T (p.Glu762Val)

Gene: CDH1 (cadherin 1; plus strand). Cytogenetic location: 16q22.1.
Variant type: single nucleotide variant.
Coding change: c.2285A>T on transcript NM_004360.5 (MANE Select); coding-DNA position 2285, A replaced by T.
Protein change: p.Glu762Val; replaces glutamic acid 762 with valine.
Molecular consequence: missense variant.
Genome position (GRCh38, 1-based): chr16:68,828,294, A>T. VCF-style: chr16-68828294-A-T. GRCh37 (hg19) VCF-style: chr16-68862197-A-T.
Other names: c.2102A>T, p.Glu701Val (NM_001317184.2); c.737A>T, p.Glu246Val (NM_001317185.2); c.320A>T, p.Glu107Val (NM_001317186.2); short protein forms E107V, E762V, E246V, E701V.
Identifiers: ClinVar variation 2811477 (VCV002811477.3), dbSNP rs2152141581, ClinGen allele CA396470086.